The following is an entry in ClinVar:

NM_032801.5(JAM3):c.319C>T (p.Arg107Trp)

Gene: JAM3 (junctional adhesion molecule 3; plus strand). Cytogenetic location: 11q25.
Variant type: single nucleotide variant.
Coding change: c.319C>T on transcript NM_032801.5 (MANE Select); coding-DNA position 319, C replaced by T.
Protein change: p.Arg107Trp; replaces arginine 107 with tryptophan.
Molecular consequence: missense variant. On other transcripts: intron variant (1).
Genome position (GRCh38, 1-based): chr11:134,144,303, C>T. VCF-style: chr11-134144303-C-T. GRCh37 (hg19) VCF-style: chr11-134014198-C-T.
Other names: c.319C>T (NM_032801.4); c.257-489C>T (NM_001205329.2); short protein forms R107W.
Identifiers: ClinVar variation 3716056 (VCV003716056.3).

ClinVar aggregate classification (germline): Uncertain significance. Review status: criteria provided, multiple submitters, no conflicts (2 of 4 stars). 2 submissions from 2 submitters: Uncertain significance (2). Last evaluated 2025-02-15.

Conditions:
Inborn genetic diseases. Identifiers: MedGen C0950123, MeSH D030342.

gnomAD v4.1: 77 of 1,614,018 alleles (0.0048%); highest among the groups gnomAD compares: Non-Finnish European, 0.006%; no homozygotes.

Submissions (2):

Ambry Genetics
Classification: Uncertain significance for Inborn genetic diseases. Last evaluated: 2025-02-15. Review status: criteria provided, single submitter. Criteria: Ambry Variant Classification Scheme 2023. Collection method: clinical testing. Allele origin: germline.

Labcorp Genetics (formerly Invitae), Labcorp
Classification: Uncertain significance. Last evaluated: 2024-12-02. Review status: criteria provided, single submitter. Criteria: Invitae Variant Classification Sherloc (09022015). Collection method: clinical testing. Allele origin: germline.
Comment: This sequence change replaces arginine, which is basic and polar, with tryptophan, which is neutral and slightly polar, at codon 107 of the JAM3 protein (p.Arg107Trp). This variant is present in population databases (rs745951708, gnomAD 0.01%). This variant has not been reported in the literature in individuals affected with JAM3-related conditions. Invitae Evidence Modeling of protein sequence and biophysical properties (such as structural, functional, and spatial information, amino acid conservation, physicochemical variation, residue mobility, and thermodynamic stability) has been performed for this missense variant. However, the output from this modeling did not meet the statistical confidence thresholds required to predict the impact of this variant on JAM3 protein function. In summary, the available evidence is currently insufficient to determine the role of this variant in disease. Therefore, it has been classified as a Variant of Uncertain Significance.